The following is an entry in ClinVar:

NM_006389.5(HYOU1):c.1019A>C (p.Lys340Thr)

Gene: HYOU1 (hypoxia up-regulated 1; minus strand). Cytogenetic location: 11q23.3.
Variant type: single nucleotide variant.
Coding change: c.1019A>C on transcript NM_006389.5 (MANE Select); coding-DNA position 1019, A replaced by C.
Protein change: p.Lys340Thr; replaces lysine 340 with threonine.
Molecular consequence: missense variant.
Genome position (GRCh38, 1-based): chr11:119,052,398, T>G on the plus strand (A>C on the coding strand, the complement: HYOU1 is on the minus strand). VCF-style: chr11-119052398-T-G. GRCh37 (hg19) VCF-style: chr11-118923110-T-G.
Other names: c.1019A>C, p.Lys340Thr (NM_001130991.3); short protein forms K340T.
Identifiers: ClinVar variation 1378425 (VCV001378425.6), dbSNP rs2134696689, ClinGen allele CA382942868.

ClinVar aggregate classification (germline): Uncertain significance (1 of 4 stars; one submission).

Allele frequency attached by ClinVar (database versions not stated): gnomAD exomes 0.00001.

Submission:

Labcorp Genetics (formerly Invitae), Labcorp
Classification: Uncertain significance. Last evaluated: 2021-12-03. Review status: criteria provided, single submitter. Criteria: Invitae Variant Classification Sherloc (09022015). Collection method: clinical testing. Allele origin: germline.
Comment: This variant has not been reported in the literature in individuals affected with HYOU1-related conditions. This variant is not present in population databases (gnomAD no frequency). This sequence change replaces lysine, which is basic and polar, with threonine, which is neutral and polar, at codon 340 of the HYOU1 protein (p.Lys340Thr). Algorithms developed to predict the effect of missense changes on protein structure and function are either unavailable or do not agree on the potential impact of this missense change (SIFT: "Not Available"; PolyPhen-2: "Possibly Damaging"; Align-GVGD: "Not Available"). In summary, the available evidence is currently insufficient to determine the role of this variant in disease. Therefore, it has been classified as a Variant of Uncertain Significance.